The following is an entry in ClinVar:

NM_007294.4(BRCA1):c.-20+494CAAAA[5]

Genes: BRCA1 (BRCA1 DNA repair associated; minus strand), LOC111589215 (BRCA1 promoter region; plus strand). Cytogenetic location: 17q21.31.
Variant type: Microsatellite.
Coding change: c.-20+494CAAAA[5] on transcript NM_007294.4 (MANE Select); five copies in a row of the 5-base unit CAAAA starting at c.-20+494; the reference has six copies in a row; one copy, 5 bases deleted.
Molecular consequence: intron variant.
Genome position (GRCh38, 1-based): chr17:43,124,748-43,124,752, TTTTG deleted on the plus strand (CAAAA on the coding strand, the reverse complement: BRCA1 is on the minus strand); deleting any 5 consecutive bases within chr17:43,124,748-43,124,777 gives the same sequence; the position shown is the placement nearest the transcript's 3' end. VCF-style (leftmost placement, unchanged base first): chr17-43124747-TTTTTG-T. GRCh37 (hg19) VCF-style: chr17-41276764-TTTTTG-T.
Other names: c.-20+519_-20+523del (NM_007294.3); c.-107+500CAAAA[5] (NM_007297.4); c.-20+500CAAAA[5] (NM_007299.4); c.-20+494CAAAA[5] (NM_007300.4).
Identifiers: ClinVar variation 264850 (VCV000264850.1), dbSNP rs572878542, ClinGen allele CA10588264.

ClinVar aggregate classification (germline): Benign (3 of 4 stars; one submission).

Conditions:
Breast-ovarian cancer, familial, susceptibility to, 1 (BROVCA1). Also called: BRCA1 Hereditary Breast and Ovarian Cancer; OVARIAN CANCER, SUSCEPTIBILITY TO. Identifiers: Orphanet 145, MedGen C2676676, MONDO:0011450, OMIM 604370. Disease mechanism: loss of function.

Submission:

Evidence-based Network for the Interpretation of Germline Mutant Alleles (ENIGMA)
Classification: Benign for Breast-ovarian cancer, familial, susceptibility to, 1. Last evaluated: 2016-09-28. Review status: reviewed by expert panel. Criteria: ENIGMA BRCA1/2 Classification Criteria (2015). Collection method: curation. Allele origin: germline.
Comment: Class 1 not pathogenic based on frequency >1% in an outbred sampleset. Frequency 0.0166 (African), derived from 1000 genomes (2013-05-02).